The following is an entry in ClinVar:

NM_000518.5(HBB):c.51del (p.Lys18fs)

Genes: HBB (hemoglobin subunit beta; minus strand), LOC106099062 (HBB recombination region; plus strand), LOC107133510 (origin of replication at HBB; plus strand). Cytogenetic location: 11p15.4.
Variant type: Deletion.
Coding change: c.51del on transcript NM_000518.5 (MANE Select); coding-DNA position 51, one base deleted (C; older notation c.51delC).
Protein change: p.Lys18fs; shifts the reading frame from lysine 18.
Molecular consequence: frameshift variant.
Genome position (GRCh38, 1-based): chr11:5,226,971, G deleted on the plus strand (C on the coding strand, the reverse complement: HBB is on the minus strand). VCF-style (leftmost placement, unchanged base first): chr11-5226970-TG-T. GRCh37 (hg19) VCF-style: chr11-5248200-TG-T.
Other names: CD 16 GGC>GG-; c.51del (NM_000518.4); c.51delC (NM_000518.5); short protein forms K18fs.
Identifiers: ClinVar variation 15414 (VCV000015414.136), dbSNP rs35662066, ClinGen allele CA125280.

ClinVar aggregate classification (germline): Pathogenic. Review status: criteria provided, multiple submitters, no conflicts (2 of 4 stars). 20 submissions from 20 submitters: Pathogenic (17). 3 of the submissions do not count toward it. Last evaluated 2025-12-16.

Conditions:
Beta-thalassemia HBB/LCRB. Identifiers: MedGen CN322236, MONDO:0013517, OMIM 613985.
METHEMOGLOBINEMIA, BETA TYPE. Also called: Methemoglobinemia, beta-globin type. Identifiers: MedGen C1840779, OMIM 617971.
Hb SS disease (SCD). Also called: Sickle cell anemia; Sickle cell disease; HbS disease; Hemoglobin S Disease; Sickling disorder due to hemoglobin S; Hemoglobin SS. Identifiers: Orphanet 232, Orphanet 275752, MedGen C0002895, MONDO:0011382, OMIM 603903.
Dominant beta-thalassemia. Also called: Beta-thalassemia, dominant inclusion body type. Identifiers: Orphanet 231226, Orphanet 848, MedGen C1858990, MONDO:0011381, OMIM 603902.
Erythrocytosis, familial, 6. Also called: ERYTHROCYTOSIS, BETA-GLOBIN TYPE; POLYCYTHEMIA, BETA-GLOBIN TYPE. Identifiers: MedGen C4693822, MONDO:0054801, OMIM 617980.
Heinz body anemia. Also called: Heinz body hemolytic anemia. Identifiers: Orphanet 178330, MedGen C0700299, MONDO:0007705, OMIM 140700, HP:0005511.
Malaria, susceptibility to. Identifiers: Orphanet 673, MedGen C1970028, MONDO:0021024, OMIM 611162.
Hereditary persistence of fetal hemoglobin. Identifiers: MedGen C0019025, MONDO:0020989, OMIM 141749.
HBB-related disorder. Also called: HBB-related condition; HBB-related disorders. Identifiers: MedGen CN239378.
Inborn genetic diseases. Identifiers: MedGen C0950123, MeSH D030342.
Hemoglobinopathy. Also called: Haemoglobinopathies; Hemoglobin disorder. Identifiers: MedGen C0019045, MONDO:0044348.
Beta zero thalassemia. Identifiers: MedGen C0271980.
beta Thalassemia (BTHAL). Also called: Cooley's anemia; Erythroblastic anemia; Mediterranean anemia. Identifiers: Orphanet 848, MedGen C0005283, MONDO:0019402. Disease mechanism: loss of function.

Allele frequency attached by ClinVar (database versions not stated): gnomAD 0.00001; gnomAD exomes 0.00001 and 0.00003; ExAC 0.00003; TOPMed below 0.00001.

Submissions 1 to 11 of 20:

Natera, Inc.
Classification: Pathogenic for Beta thalassemia. Last evaluated: 2025-12-16. Review status: criteria provided, single submitter. Criteria: Natera Variant Classification Schema (03/2026). Collection method: clinical testing. Allele origin: germline.
Comment: The c.51delC variant in HBB is a frameshift variant predicted to shift the reading frame beginning at codon 18 and leads to a stop codon 2 codons downstream. This variant is expected to result in nonsense mediated decay, truncation, or a dysfunctional protein product. This variant is rare in the general population with a frequency below the threshold expected for the associated phenotype(s). This variant has been observed in one or more individuals affected with the associated recessive disease, as either homozygous or compound heterozygous with a second variant (PMID: 30868793). Given the available evidence, this variant is classified as Pathogenic.

CeGaT Center for Human Genetics Tuebingen
Classification: Pathogenic. Last evaluated: 2025-08-01. Review status: criteria provided, single submitter. Criteria: CeGaT Center For Human Genetics Tuebingen Variant Classification Criteria Version 2. Collection method: clinical testing. Allele origin: germline. Affected: yes. Observed: 2 variant alleles.
Comment: HBB: PM3:Strong, PVS1:Strong, PM2

ARUP Laboratories, Molecular Genetics and Genomics, ARUP Laboratories
Classification: Pathogenic. Last evaluated: 2025-07-14. Review status: criteria provided, single submitter. Criteria: ARUP Molecular Germline Variant Investigation Process 2024. Collection method: clinical testing. Allele origin: germline.
Comment: The Codon 16 (-C) variant (HBB: c.51delC; p.Lys18fs, also known as Lys17fs when numbered from the mature protein, rs35662066, HbVar ID: 799) is reported in the literature in individuals with beta-thalassemia trait (Kazazian 1984, Panja 2017, Varawalla 1991, Yasmeen 2016, HbVar and references therein). This variant is reported in ClinVar (Variation ID: 15414), and is only observed on eight alleles in the Genome Aggregation Database, indicating it is not a common polymorphism. This variant causes a frameshift by deleting a single nucleotide, so it is predicted to result in a truncated protein or mRNA subject to nonsense-mediated decay. Based on available information, this variant is considered to be pathogenic. References: Link to HbVar database: Kazazian HH Jr et al. Molecular characterization of seven beta-thalassemia mutations in Asian Indians. EMBO J. 1984; 3(3):593-6. PMID: 6714226. Panja A et al. Cross-Sectional Study for the Detection of Mutations in the Beta-Globin Gene Among Patients with Hemoglobinopathies in the Bengali Population. Genet Test Mol Biomarkers. 2017; 21(1):39-45. PMID: 27828729. Varawalla N et al. The spectrum of beta-thalassaemia mutations on the Indian subcontinent: the basis for prenatal diagnosis. Br J Haematol. 1991; 78(2):242-7. PMID: 2064964. Yasmeen H et al. The molecular characterization of Beta globin gene in thalassemia patients reveals rare and a novel mutations in Pakistani population. Eur J Med Genet. 2016; 59(8):355-62. PMID: 27263053.

Blueprint Genetics
Classification: Pathogenic for HBB-related disorders. Last evaluated: 2024-11-26. Review status: criteria provided, single submitter. Criteria: ACMG Guidelines, 2015. Collection method: clinical testing. Allele origin: germline. Affected: yes. Observed: 5 variant alleles.

Labcorp Genetics (formerly Invitae), Labcorp
Classification: Pathogenic. Last evaluated: 2024-11-04. Review status: criteria provided, single submitter. Criteria: Invitae Variant Classification Sherloc (09022015). Collection method: clinical testing. Allele origin: germline.
Comment: This sequence change creates a premature translational stop signal (p.Lys18Argfs*2) in the HBB gene. It is expected to result in an absent or disrupted protein product. Loss-of-function variants in HBB are known to be pathogenic (PMID: 23637309). This variant is present in population databases (rs35662066, gnomAD 0.03%). This premature translational stop signal has been observed in individual(s) with autosomal recessive beta-thalassemia (PMID: 12368169, 12403498, 27263053). It has also been observed to segregate with disease in related individuals. This variant is also known as "Codon 16 (-C)". ClinVar contains an entry for this variant (Variation ID: 15414). Algorithms developed to predict the effect of sequence changes on RNA splicing suggest that this variant may disrupt the consensus splice site. For these reasons, this variant has been classified as Pathogenic.

Fulgent Genetics
Classification: Pathogenic for Heinz body anemia; Hereditary persistence of fetal hemoglobin; Dominant beta-thalassemia; Hb SS disease; Malaria, susceptibility to; Beta-thalassemia HBB/LCRB; METHEMOGLOBINEMIA, BETA TYPE; Erythrocytosis, familial, 6. Last evaluated: 2024-01-23. Review status: criteria provided, single submitter. Criteria: ACMG Guidelines, 2015. Collection method: clinical testing. Allele origin: germline.

PreventionGenetics, part of Exact Sciences
Classification: Pathogenic for HBB-related condition. Last evaluated: 2023-06-14. Review status: criteria provided, single submitter. Criteria: ACMG Guidelines, 2015. Collection method: clinical testing. Allele origin: germline.
Comment: The HBB c.51delC variant is predicted to result in a frameshift and premature protein termination (p.Lys18Argfs*2). This variant, also referred to as Codon 16(-C), has been reported to be causative for beta thalassaemia (Edison et al. 2008. PubMed ID: 18294253; Kazazian et al. 1984. PubMed ID: 6714226). This variant is reported in 0.026% of alleles in individuals of South Asian descent in gnomAD. Frameshift variants in HBB are expected to be pathogenic. This variant is interpreted as pathogenic.

Mayo Clinic Laboratories, Mayo Clinic
Classification: Pathogenic. Last evaluated: 2023-01-19. Review status: criteria provided, single submitter. Criteria: ACMG Guidelines, 2015. Collection method: clinical testing. Allele origin: germline. Observed: 1 variant allele.

Quest Diagnostics Nichols Institute San Juan Capistrano
Classification: Pathogenic. Last evaluated: 2022-10-12. Review status: criteria provided, single submitter. Criteria: Quest Diagnostics criteria. Collection method: clinical testing. Allele origin: unknown.
Comment: The HBB c.51del (p.Lys18Argfs*2) variant (also known as Codon 16 (-C)) alters the translational reading frame of the HBB mRNA and causes the premature termination of HBB protein synthesis. This variant is associated with beta(0)-thalassemia (PMIDs: 33602051(2021), 30046479 (2018), 29295702 (2018), 27828729 (2017), 26076395 (2015), and 22392582 (2012)). Based on the available information, this variant is classified as pathogenic.

Myriad Genetics, Inc.
Classification: Pathogenic for Beta-thalassemia HBB/LCRB. Last evaluated: 2019-12-17. Review status: criteria provided, single submitter. Criteria: Myriad Women's Health Autosomal Recessive and X-Linked Classification Criteria (2019). Collection method: clinical testing. Allele origin: unknown.
Comment: NM_000518.4(HBB):c.51delC(K18Rfs*2) is classified as pathogenic in the context of Hb beta chain-related hemoglobinopathy and is associated with beta thalassemia. Sources cited for classification include the following: PMID 18294253, 6714226 and 21389146. Classification of NM_000518.4(HBB):c.51delC(K18Rfs*2) is based on the following criteria: The variant causes a premature termination codon that is expected to be targeted by nonsense-mediated mRNA decay and is reported in individuals with the relevant phenotype. Please note: this variant was assessed in the context of healthy population screening.

Ambry Genetics
Classification: Pathogenic for Inborn genetic diseases. Last evaluated: 2017-05-26. Review status: criteria provided, single submitter. Criteria: Ambry Variant Classification Scheme 2023. Collection method: clinical testing. Allele origin: germline.
Comment: The c.51delC (also known as Codon 16 del C) pathogenic mutation, located in coding exon 1 of the HBB gene, results from a deletion of one nucleotide at nucleotide position 51, causing a translational frameshift with a predicted alternate stop codon (p.K18Rfs*2). This mutation was identified in multiple Asian Indian individuals with beta thalassemia (Kazazian HH et al. EMBO J., 1984 Mar;3:593-6; Italia K et al. Br. J. Haematol., 2015 Jan;168:156-9; Rajab A et al. F1000Res, 2015 Sep;4:891). In addition to the clinical data presented in the literature, this alteration is expected to result in loss of function by premature protein truncation or nonsense-mediated mRNA decay. As such, this alteration is interpreted as a disease-causing mutation.